The following is an entry in ClinVar:

ClinVar aggregate classification (germline): Uncertain significance. Review status: criteria provided, multiple submitters, no conflicts (2 of 4 stars). 6 submissions from 6 submitters: Uncertain significance (6). Last evaluated 2026-02-04.

Conditions:
Cardiomyopathy (CMYO). Also called: Cardiomyopathies. Identifiers: Orphanet 167848, MedGen C0878544, MONDO:0004994, HP:0001638. Inheritance: Various modes of inheritance.
Dilated cardiomyopathy 1JJ (CMD1JJ). Identifiers: Orphanet 154, MedGen C3808935, MONDO:0014095, OMIM 615235.
Cardiovascular phenotype. Identifiers: MedGen CN230736.

Allele frequency attached by ClinVar (database versions not stated): gnomAD 0.00011 and 0.00010; TOPMed 0.00011; gnomAD exomes 0.00013 and 0.00015; ExAC 0.00017; ESP Exome Variant Server 0.00008.
gnomAD v4.1: 201 of 1,608,922 alleles (0.012%); highest among the groups gnomAD compares: Middle Eastern, 0.033%; no homozygotes.

Submissions (7):

Labcorp Genetics (formerly Invitae), Labcorp
Classification: Uncertain significance for Dilated cardiomyopathy 1JJ. Last evaluated: 2026-02-04. Review status: criteria provided, single submitter. Criteria: Invitae Variant Classification Sherloc (09022015). Collection method: clinical testing. Allele origin: germline.
Comment: This sequence change falls in intron 24 of the LAMA4 gene. It does not directly change the encoded amino acid sequence of the LAMA4 protein. It affects a nucleotide within the consensus splice site. This variant is present in population databases (rs374159760, gnomAD 0.02%). This variant has been observed in individual(s) with sudden cardiac death (PMID: 35087879). This variant is also known as c.3283-3C>G. ClinVar contains an entry for this variant (Variation ID: 660540). Variants that disrupt the consensus splice site are a relatively common cause of aberrant splicing (PMID: 17576681, 9536098). Algorithms developed to predict the effect of sequence changes on RNA splicing suggest that this variant may disrupt the consensus splice site. In summary, the available evidence is currently insufficient to determine the role of this variant in disease. Therefore, it has been classified as a Variant of Uncertain Significance.

Women's Health and Genetics/Laboratory Corporation of America, LabCorp
Classification: Uncertain significance. Last evaluated: 2026-02-02. Review status: criteria provided, single submitter. Criteria: LabCorp Variant Classification Summary - May 2015. Collection method: clinical testing. Allele origin: germline.
Comment: Variant summary: LAMA4 c.3283-3C>G alters a nucleotide located close to a canonical splice site and therefore could affect mRNA splicing, leading to a significantly altered protein sequence. Several computational tools predict a significant impact on normal splicing: Two predict the variant weakens a 3' acceptor site and three predict the variant abolishes this site. However, these predictions have yet to be confirmed by functional studies. The variant allele was found at a frequency of 0.00015 in 249958 control chromosomes (gnomAD). The observed variant frequency exceeds the estimated maximal expected allele frequency for disease-causing variants in LAMA4. c.3283-3C>G has been observed in individuals affected with sudden cardiac death or cardiomyopathy (Vahatalo_2022, Voinescu_2024). These reports do not provide unequivocal conclusions about association of the variant with Cardiomyopathy. The following publications have been ascertained in the context of this evaluation (PMID: 35087879, 38473809). ClinVar contains an entry for this variant (Variation ID: 660540). Based on the evidence outlined above, the variant was classified as uncertain significance.

Ambry Genetics
Classification: Uncertain significance for Cardiovascular phenotype. Last evaluated: 2025-03-21. Review status: criteria provided, single submitter. Criteria: Ambry Variant Classification Scheme 2023. Collection method: clinical testing. Allele origin: germline.
Comment: The c.3262-3C>G intronic variant results from a C to G substitution 3 nucleotides upstream from coding exon 24 in the LAMA4 gene. This nucleotide position is well conserved in available vertebrate species. In silico splice site analysis predicts that this alteration will weaken the native splice acceptor site. The evidence for this gene-disease relationship is limited; therefore, the clinical significance of this alteration is unclear.

GeneDx
Classification: Uncertain significance. Last evaluated: 2024-06-14. Review status: criteria provided, single submitter. Criteria: GeneDx Variant Classification Process June 2021. Collection method: clinical testing. Allele origin: germline. Affected: yes.
Comment: Identified in a patient with sudden cardiac death and single-vessel coronary artery disease and hypertrophied heart found at autopsy (PMID: 35087879); Identified in a patient with wild-type transthyretin amyloidosis (ATTRwt) (PMID: 36605423); Also known as c.3283-3C>G due to use of an alternate transcript; In silico analysis supports a deleterious effect on splicing; This variant is associated with the following publications: (PMID: 36605423, 35087879)

Fulgent Genetics
Classification: Uncertain significance for Dilated cardiomyopathy 1JJ. Last evaluated: 2021-08-23. Review status: criteria provided, single submitter. Criteria: ACMG Guidelines, 2015. Collection method: clinical testing. Allele origin: unknown.

CHEO Genetics Diagnostic Laboratory, Children's Hospital of Eastern Ontario
Classification: Uncertain significance for Cardiomyopathy. Last evaluated: 2017-11-13. Review status: criteria provided, single submitter. Criteria: ACMG Guidelines, 2015. Collection method: clinical testing. Allele origin: germline.

Dr. Peter K. Rogan Lab, Western University
No classification provided (evidence only). Condition: Lung cancer. Review status: no classification provided. Collection method: in vitro. Allele origin: not applicable. Functional consequence: retained intron. Not counted in ClinVar's aggregate classification.

Literature cited by the submitters: PubMed 35087879 (cited by Labcorp Genetics (formerly Invitae), Labcorp and Women's Health and Genetics/Laboratory Corporation of America, LabCorp); PubMed 17576681 (cited by Labcorp Genetics (formerly Invitae), Labcorp); PubMed 9536098 (cited by Labcorp Genetics (formerly Invitae), Labcorp); PubMed 38473809 (cited by Women's Health and Genetics/Laboratory Corporation of America, LabCorp).

NM_001105206.3(LAMA4):c.3283-3C>G

Gene: LAMA4 (laminin subunit alpha 4; minus strand). Cytogenetic location: 6q21.
Variant type: single nucleotide variant.
Coding change: c.3283-3C>G on transcript NM_001105206.3 (MANE Select); 3 bases into the intron before coding-DNA position 3283, C replaced by G.
Molecular consequence: intron variant.
Genome position (GRCh38, 1-based): chr6:112,136,257, G>C on the plus strand (C>G on the coding strand, the complement: LAMA4 is on the minus strand). VCF-style: chr6-112136257-G-C. GRCh37 (hg19) VCF-style: chr6-112457459-G-C.
Other names: c.3262-3C>G (NM_002290.5, NM_001105207.3).
Identifiers: ClinVar variation 660540 (VCV000660540.19), dbSNP rs374159760, ClinGen allele CA3965251.